The following is an entry in ClinVar:

NM_001048166.1(STIL):c.3378A>G (p.Arg1126=)

Gene: STIL (STIL centriolar assembly protein; minus strand). Cytogenetic location: 1p33.
Variant type: single nucleotide variant.
Coding change: c.3378A>G on transcript NM_001048166.1 (MANE Select); coding-DNA position 3378, A replaced by G.
Protein change: p.Arg1126=; no amino-acid change (arginine 1126 retained).
Molecular consequence: synonymous variant.
Genome position (GRCh38, 1-based): chr1:47,251,625, T>C on the plus strand (A>G on the coding strand, the complement: STIL is on the minus strand). VCF-style: chr1-47251625-T-C. GRCh37 (hg19) VCF-style: chr1-47717297-T-C.
Other names: c.3375A>G, p.Arg1125= (NM_001282936.1, NM_003035.2); c.3324A>G, p.Arg1108= (NM_001282937.1); c.3237A>G, p.Arg1079= (NM_001282938.1); c.3183A>G, p.Arg1061= (NM_001282939.1).
Identifiers: ClinVar variation 160063 (VCV000160063.48), dbSNP rs142315727, ClinGen allele CA173627.
Genomic context (GRCh38, chr1:47,251,625, plus strand): 5'-TGCATTGTCGGGAGGTTCCTCTTCATCTTCACTATTGTCACTGCTTTGTAGGAGTCCATA[T>C]CTCTTCATATATTTTTTGGTTGCAAATGACATGTTGTTTGGTGAAATTAAACTAAGCCCC-3'
Protein context (NP_001041631.1, residues 1116-1136): MSFATKKYMK[Arg1126=]YGLLQSSDNS

ClinVar aggregate classification (germline): Benign/Likely benign. Review status: criteria provided, multiple submitters, no conflicts (2 of 4 stars). 8 submissions from 8 submitters: Benign (5); Likely benign (3). Last evaluated 2026-09-01.

Conditions:
Microcephaly 7, primary, autosomal recessive. Identifiers: Orphanet 2512, MedGen C2675187, MONDO:0012989, OMIM 612703.

Allele frequency attached by ClinVar (database versions not stated): 1000 Genomes Project 30x 0.00109; 1000 Genomes Project 0.00140; gnomAD exomes 0.00461; gnomAD 0.00464 and 0.00478; TOPMed 0.00472; ExAC 0.00477; ESP Exome Variant Server 0.00500.
gnomAD v4.1: 9,527 of 1,614,160 alleles (0.59%); highest among the groups gnomAD compares: Non-Finnish European, 0.72%; 40 homozygotes.

Submissions (8):

CeGaT Center for Human Genetics Tuebingen
Classification: Likely benign. Last evaluated: 2026-09-01. Review status: criteria provided, single submitter. Criteria: CeGaT Center For Human Genetics Tuebingen Variant Classification Criteria Version 2. Collection method: clinical testing. Allele origin: germline. Affected: yes. Observed: 29 variant alleles.
Comment: STIL: BP4, BP7, BS2

Labcorp Genetics (formerly Invitae), Labcorp
Classification: Benign. Last evaluated: 2026-01-12. Review status: criteria provided, single submitter. Criteria: Invitae Variant Classification Sherloc (09022015). Collection method: clinical testing. Allele origin: germline.

Athena Diagnostics
Classification: Benign. Last evaluated: 2024-03-07. Review status: criteria provided, single submitter. Criteria: Athena Diagnostics Criteria. Collection method: clinical testing. Allele origin: unknown.

Illumina Laboratory Services, Illumina
Classification: Likely benign for Microcephaly 7, primary, autosomal recessive. Last evaluated: 2018-01-12. Review status: criteria provided, single submitter. Criteria: ICSL Variant Classification Criteria 13 December 2019. Collection method: clinical testing. Allele origin: germline.
Comment: This variant was observed in the ICSL laboratory as part of a predisposition screen in an ostensibly healthy population. It had not been previously curated by ICSL or reported in the Human Gene Mutation Database (HGMD: prior to June 1st, 2018), and was therefore a candidate for classification through an automated scoring system. Utilizing variant allele frequency, disease prevalence and penetrance estimates, and inheritance mode, an automated score was calculated to assess if this variant is too frequent to cause the disease. Based on the score and internal cut-off values, a variant classified as likely benign is not then subjected to further curation. The score for this variant resulted in a classification of likely benign for this disease.

GeneDx
Classification: Benign. Last evaluated: 2017-07-25. Review status: criteria provided, single submitter. Criteria: GeneDx Variant Classification (06012015). Collection method: clinical testing. Allele origin: germline. Affected: yes.
Comment: This variant is considered likely benign or benign based on one or more of the following criteria: it is a conservative change, it occurs at a poorly conserved position in the protein, it is predicted to be benign by multiple in silico algorithms, and/or has population frequency not consistent with disease.

Eurofins Ntd Llc (ga)
Classification: Benign. Last evaluated: 2014-05-09. Review status: criteria provided, single submitter. Criteria: EGL Classification Definitions 2015. Collection method: clinical testing. Allele origin: germline. Observed: 2 variant alleles, 2 heterozygotes.

Genetic Services Laboratory, University of Chicago
Classification: Benign. Last evaluated: 2013-02-08. Review status: criteria provided, single submitter. Criteria: ACMG Guidelines, 2007. Collection method: clinical testing. Allele origin: germline. Inheritance: Autosomal recessive inheritance.

Breakthrough Genomics
Classification: Likely benign. Review status: criteria provided, single submitter. Criteria: ACMG Guidelines, 2015. Collection method: not provided. Allele origin: germline. Inheritance: Autosomal recessive inheritance. Affected: yes.